The following is an entry in ClinVar:

ClinVar aggregate classification (oncogenicity): Likely oncogenic (0 of 4 stars; one submission).

Conditions:
Gastrointestinal stromal tumor. Also called: Gastrointestinal stromal tumor, somatic; Gastrointestinal stroma tumor. Identifiers: Orphanet 44890, MedGen C0238198, MeSH D046152, MONDO:0011719, OMIM 606764, HP:0100723.

Submission:

National Institute of Cancer Research, National Health Research Institutes
Classification: Likely oncogenic for Gastrointestinal stromal tumor. Review status: no assertion criteria provided. Collection method: research. Allele origin: somatic. Affected: yes. Observed: 3 variant alleles.
Comment: the literature

NM_000222.3(KIT):c.1672A>C (p.Lys558Gln)

Gene: KIT (KIT proto-oncogene, receptor tyrosine kinase; plus strand). Cytogenetic location: 4q12.
Variant type: single nucleotide variant.
Coding change: c.1672A>C on transcript NM_000222.3 (MANE Select); coding-DNA position 1672, A replaced by C.
Protein change: p.Lys558Gln; replaces lysine 558 with glutamine.
Molecular consequence: missense variant.
Genome position (GRCh38, 1-based): chr4:54,727,440, A>C. VCF-style: chr4-54727440-A-C. GRCh37 (hg19) VCF-style: chr4-55593606-A-C.
Other names: c.1660A>C, p.Lys554Gln (NM_001093772.2, NM_001385286.1); c.1675A>C, p.Lys559Gln (NM_001385284.1, NM_001385290.1); c.1672A>C, p.Lys558Gln (NM_001385285.1); c.1663A>C, p.Lys555Gln (NM_001385288.1, NM_001385292.1); short protein forms K558Q, K554Q, K555Q, K559Q.
Identifiers: ClinVar variation 376730 (VCV000376730.2), dbSNP rs1057520031, ClinGen allele CA16603138.